The following is an entry in ClinVar:

ClinVar aggregate classification (germline): Uncertain significance (1 of 4 stars; one submission).

Conditions:
Neuronal ceroid lipofuscinosis 15. Also called: Neurodegeneration, childhood-onset, with hypotonia, respiratory insufficiency, and brain imaging abnormalities; Neurodegeneration, childhood-onset, hypotonia, respiratory insufficiency and brain imaging abnormalities. Identifiers: Orphanet 610573, MedGen C5543020, MONDO:0030947, OMIM 619173.

Submission:

Neuberg Centre For Genomic Medicine, NCGM
Classification: Uncertain significance for Neuronal ceroid lipofuscinosis 15. Review status: criteria provided, single submitter. Criteria: ACMG Guidelines, 2015. Collection method: clinical testing. Allele origin: germline. Inheritance: Autosomal dominant inheritance. Affected: yes.
Comment: The observed missense variant c.855G>A(p.Met285Ile) in the CLCN6 gene has not been reported previously as a pathogenic variant nor as a benign variant, to our knowledge. This variant is absent in the gnomAD Exomes. The amino acid Met at position 285 is changed to a Ile changing protein sequence and it might alter its composition and physico-chemical properties. Multiple lines of computational evidence (Polyphen - Damaging and MutationTaster - Disease causing) predict a damaging effect on protein structure and function for this variant. The residue is conserved by GERP++ and PhyloP across 100 vertebrates. For these reasons, this variant has been classified as Uncertain Significance.

NM_001286.5(CLCN6):c.855G>A (p.Met285Ile)

Gene: CLCN6 (Cl-/H+ antiporter 6; plus strand). Cytogenetic location: 1p36.22.
Variant type: single nucleotide variant.
Coding change: c.855G>A on transcript NM_001286.5 (MANE Select); coding-DNA position 855, G replaced by A.
Protein change: p.Met285Ile; replaces methionine 285 with isoleucine.
Molecular consequence: missense variant. On other transcripts: non-coding transcript variant (1).
Genome position (GRCh38, 1-based): chr1:11,828,120, G>A. VCF-style: chr1-11828120-G-A. GRCh37 (hg19) VCF-style: chr1-11888177-G-A.
Other names: c.789G>A, p.Met263Ile (NM_001256959.2); short protein forms M263I, M285I.
Identifiers: ClinVar variation 3731512 (VCV003731512.1).
Genomic context (GRCh38, chr1:11,828,120, plus strand): 5'-ACATGCCACTCCTGAACCTTCTTGTCTTTTGTCACCTCTCCCCTAGCTCTTTTGTTCCAT[G>A]TCTGCCACCTTCACCCTCAACTTCTTCCGTTCTGGGATTCAGTTTGGAAGCTGGGGTTCC-3'
Protein context (NP_001277.2, residues 275-295): GLTWKVLFCS[Met285Ile]SATFTLNFFR